The following is an entry in ClinVar:

NM_000548.5(TSC2):c.1485C>T (p.His495=)

Gene: TSC2 (TSC complex subunit 2; plus strand). Cytogenetic location: 16p13.3.
Variant type: single nucleotide variant.
Coding change: c.1485C>T on transcript NM_000548.5 (MANE Select); coding-DNA position 1485, C replaced by T.
Protein change: p.His495=; no amino-acid change (histidine 495 retained).
Molecular consequence: synonymous variant. On other transcripts: 5 prime UTR variant (1), non-coding transcript variant (5).
Genome position (GRCh38, 1-based): chr16:2,064,313, C>T. VCF-style: chr16-2064313-C-T. GRCh37 (hg19) VCF-style: chr16-2114314-C-T.
Other names: c.1485C>T, p.His495= (NM_001077183.3, NM_001114382.3, NM_001363528.2 and 6 more transcripts); c.1374C>T, p.His458= (NM_001318827.2, NM_001406670.1, NM_001406678.1); c.1338C>T, p.His446= (NM_001318829.2, NM_001406675.1, NM_001406676.1 and 1 more transcripts); c.885C>T, p.His295= (NM_001318831.2, NM_001406680.1, NM_001406682.1 and 6 more transcripts); c.1518C>T, p.His506= (NM_001318832.2); c.1575C>T, p.His525= (NM_001406667.1, NM_001406668.1); c.1473C>T, p.His491= (NM_001406671.1, NM_001406673.1); c.1428C>T, p.His476= (NM_001406677.1); and 3 more.
Identifiers: ClinVar variation 1694776 (VCV001694776.37), dbSNP rs2151189170, ClinGen allele CA492962874.

ClinVar aggregate classification (germline): Benign/Likely benign. Review status: criteria provided, multiple submitters, no conflicts (2 of 4 stars). 3 submissions from 3 submitters: Benign (1); Likely benign (2). Last evaluated 2026-01-19.

Conditions:
Tuberous sclerosis 2 (TSC2). Identifiers: Orphanet 805, MedGen C1860707, MONDO:0013199, OMIM 613254.

Submissions (3):

Labcorp Genetics (formerly Invitae), Labcorp
Classification: Likely benign for Tuberous sclerosis 2. Last evaluated: 2026-01-19. Review status: criteria provided, single submitter. Criteria: Invitae Variant Classification Sherloc (09022015). Collection method: clinical testing. Allele origin: germline.

Myriad Genetics, Inc.
Classification: Benign for Tuberous sclerosis 2. Last evaluated: 2025-05-14. Review status: criteria provided, single submitter. Criteria: Myriad Autosomal Dominant, Autosomal Recessive and X-Linked Classification Criteria (2023). Collection method: clinical testing. Allele origin: unknown.
Comment: This variant is considered benign. This variant is a silent/synonymous amino acid change and it is not expected to impact splicing.

CeGaT Center for Human Genetics Tuebingen
Classification: Likely benign. Last evaluated: 2022-05-01. Review status: criteria provided, single submitter. Criteria: CeGaT Center For Human Genetics Tuebingen Variant Classification Criteria Version 2. Collection method: clinical testing. Allele origin: germline. Affected: yes. Observed: 2 variant alleles.
Comment: TSC2: PM2:Supporting, BP4, BP7